The following is an entry in ClinVar:

NM_000179.3(MSH6):c.3730T>G (p.Leu1244Val)

Gene: MSH6 (mutS homolog 6; plus strand). Cytogenetic location: 2p16.3.
Variant type: single nucleotide variant.
Coding change: c.3730T>G on transcript NM_000179.3 (MANE Select); coding-DNA position 3730, T replaced by G.
Protein change: p.Leu1244Val; replaces leucine 1244 with valine.
Molecular consequence: missense variant.
Genome position (GRCh38, 1-based): chr2:47,806,287, T>G. VCF-style: chr2-47806287-T-G. GRCh37 (hg19) VCF-style: chr2-48033426-T-G.
Other names: p.Leu1244Val; c.3340T>G, p.Leu1114Val (NM_001281492.2); c.2824T>G, p.Leu942Val (NM_001281493.2, NM_001281494.2); short protein forms L1244V, L942V, L1114V.
Identifiers: ClinVar variation 410520 (VCV000410520.21), dbSNP rs1060502938, ClinGen allele CA16610980.

ClinVar aggregate classification (germline): Uncertain significance. Review status: criteria provided, multiple submitters, no conflicts (2 of 4 stars). 7 submissions from 7 submitters: Uncertain significance (7). Last evaluated 2026-01-31.

Conditions:
Endometrial carcinoma. Also called: Endometrial carcinoma, somatic. Identifiers: MedGen C0476089, MONDO:0002447, OMIM 608089, HP:0012114.
Hereditary nonpolyposis colorectal neoplasms. Identifiers: MedGen C0009405, MeSH D003123.
Hereditary cancer-predisposing syndrome. Also called: Tumor predisposition; Hereditary Cancer Syndrome; Hereditary neoplastic syndrome; Neoplastic Syndromes, Hereditary. Identifiers: Orphanet 140162, MedGen C0027672, MeSH D009386, MONDO:0015356.

Allele frequency attached by ClinVar (database versions not stated): TOPMed 0.00001.

Submissions (7):

Labcorp Genetics (formerly Invitae), Labcorp
Classification: Uncertain significance for Hereditary nonpolyposis colorectal neoplasms. Last evaluated: 2026-01-31. Review status: criteria provided, single submitter. Criteria: Invitae Variant Classification Sherloc (09022015). Collection method: clinical testing. Allele origin: germline.
Comment: This sequence change replaces leucine, which is neutral and non-polar, with valine, which is neutral and non-polar, at codon 1244 of the MSH6 protein (p.Leu1244Val). This variant is not present in population databases (gnomAD no frequency). This variant has not been reported in the literature in individuals affected with MSH6-related conditions. ClinVar contains an entry for this variant (Variation ID: 410520). Invitae Evidence Modeling of protein sequence and biophysical properties (such as structural, functional, and spatial information, amino acid conservation, physicochemical variation, residue mobility, and thermodynamic stability) indicates that this missense variant is not expected to disrupt MSH6 protein function with a negative predictive value of 95%. In summary, the available evidence is currently insufficient to determine the role of this variant in disease. Therefore, it has been classified as a Variant of Uncertain Significance.

Color Diagnostics, LLC DBA Color Health
Classification: Uncertain significance for Hereditary cancer-predisposing syndrome. Last evaluated: 2025-07-20. Review status: criteria provided, single submitter. Criteria: ACMG Guidelines, 2015. Collection method: clinical testing. Allele origin: germline.
Comment: This missense variant replaces leucine with valine at codon 1244 of the MSH6 protein. Computational prediction suggests that this variant may not impact protein structure and function. To our knowledge, functional studies have not been reported for this variant. This variant has not been reported in individuals affected with MSH6-related disorders in the literature. This variant has not been identified in the general population by the Genome Aggregation Database (gnomAD). The available evidence is insufficient to determine the role of this variant in disease conclusively. Therefore, this variant is classified as a Variant of Uncertain Significance.

Ambry Genetics
Classification: Uncertain significance for Hereditary cancer-predisposing syndrome. Last evaluated: 2024-10-11. Review status: criteria provided, single submitter. Criteria: Ambry Variant Classification Scheme 2023. Collection method: clinical testing. Allele origin: germline.
Comment: The p.L1244V variant (also known as c.3730T>G), located in coding exon 8 of the MSH6 gene, results from a T to G substitution at nucleotide position 3730. The leucine at codon 1244 is replaced by valine, an amino acid with highly similar properties. This amino acid position is well conserved in available vertebrate species. In addition, the in silico prediction for this alteration is inconclusive. Since supporting evidence is limited at this time, the clinical significance of this alteration remains unclear.

Baylor Genetics
Classification: Uncertain significance for Endometrial carcinoma. Last evaluated: 2023-10-07. Review status: criteria provided, single submitter. Criteria: ACMG Guidelines, 2015. Collection method: clinical testing. Allele origin: unknown.

Mayo Clinic Laboratories, Mayo Clinic
Classification: Uncertain significance. Last evaluated: 2023-04-26. Review status: criteria provided, single submitter. Criteria: ACMG Guidelines, 2015. Collection method: clinical testing. Allele origin: germline. Observed: 1 variant allele.
Comment: PM2

Women's Health and Genetics/Laboratory Corporation of America, LabCorp
Classification: Uncertain significance. Last evaluated: 2022-07-25. Review status: criteria provided, single submitter. Criteria: LabCorp Variant Classification Summary - May 2015. Collection method: clinical testing. Allele origin: germline.

Sema4
Classification: Uncertain significance for Hereditary cancer-predisposing syndrome. Last evaluated: 2021-11-17. Review status: criteria provided, single submitter. Criteria: Sema4 Curation Guidelines. Collection method: curation. Allele origin: germline.
Comment: The MSH6 c.3730T>G (p.L1244V) variant has not been reported in the literature to our knowledge. It was not observed in the large and broad cohorts of the Genome Aggregation Database (PMID: 32461654). The variant has been reported in ClinVar (Variation ID 410520). Functional studies have not been performed, and in silico predictions of the variant's effect on protein function are inconclusive. The evidence is insufficient to meet ACMG/AMP criteria for classifying the variant as benign or pathogenic. Thus, the clinical significance of this variant is currently uncertain.